The following is an entry in ClinVar:

NM_001008537.3(NEXMIF):c.3119T>C (p.Ile1040Thr)

Gene: NEXMIF (neurite extension and migration factor; minus strand). Cytogenetic location: Xq13.3.
Variant type: single nucleotide variant.
Coding change: c.3119T>C on transcript NM_001008537.3 (MANE Select); coding-DNA position 3119, T replaced by C.
Protein change: p.Ile1040Thr; replaces isoleucine 1040 with threonine.
Molecular consequence: missense variant.
Genome position (GRCh38, 1-based): chrX:74,741,438, A>G on the plus strand (T>C on the coding strand, the complement: NEXMIF is on the minus strand). VCF-style: chrX-74741438-A-G. GRCh37 (hg19) VCF-style: chrX-73961273-A-G.
Other names: c.3119T>C (NM_001008537.2); short protein forms I1040T.
Identifiers: ClinVar variation 1708716 (VCV001708716.7), dbSNP rs2080102902, ClinGen allele CA413666669.

ClinVar aggregate classification (germline): Uncertain significance. Review status: criteria provided, multiple submitters, no conflicts (2 of 4 stars). 3 submissions from 3 submitters: Uncertain significance (3). Last evaluated 2023-09-30.

Conditions:
NEXMIF-related disorder. Also called: NEXMIF-related condition.

Allele frequency attached by ClinVar (database versions not stated): TOPMed below 0.00001.

Submissions (3):

Labcorp Genetics (formerly Invitae), Labcorp
Classification: Uncertain significance. Last evaluated: 2023-09-30. Review status: criteria provided, single submitter. Criteria: Invitae Variant Classification Sherloc (09022015). Collection method: clinical testing. Allele origin: germline.
Comment: This variant is not present in population databases (gnomAD no frequency). This variant has not been reported in the literature in individuals affected with NEXMIF-related conditions. ClinVar contains an entry for this variant (Variation ID: 1708716). Algorithms developed to predict the effect of missense changes on protein structure and function output the following: SIFT: "Not Available"; PolyPhen-2: "Benign"; Align-GVGD: "Not Available". The threonine amino acid residue is found in multiple mammalian species, which suggests that this missense change does not adversely affect protein function. In summary, the available evidence is currently insufficient to determine the role of this variant in disease. Therefore, it has been classified as a Variant of Uncertain Significance. This sequence change replaces isoleucine, which is neutral and non-polar, with threonine, which is neutral and polar, at codon 1040 of the NEXMIF protein (p.Ile1040Thr).

GeneDx
Classification: Uncertain significance. Last evaluated: 2023-06-26. Review status: criteria provided, single submitter. Criteria: GeneDx Variant Classification Process June 2021. Collection method: clinical testing. Allele origin: germline. Affected: yes.
Comment: Not observed at significant frequency in large population cohorts (gnomAD); In silico analysis supports that this missense variant has a deleterious effect on protein structure/function; Has not been previously published as pathogenic or benign to our knowledge

PreventionGenetics, part of Exact Sciences
Classification: Uncertain significance for NEXMIF-related condition. Last evaluated: 2023-06-15. Review status: criteria provided, single submitter. Criteria: ACMG Guidelines, 2015. Collection method: clinical testing. Allele origin: germline.
Comment: The NEXMIF c.3119T>C variant is predicted to result in the amino acid substitution p.Ile1040Thr. To our knowledge, this variant has not been reported in the literature or in a large population database, indicating this variant is rare. At this time, the clinical significance of this variant is uncertain due to the absence of conclusive functional and genetic evidence.